The following is an entry in ClinVar:

NM_001384474.1(LOXHD1):c.4671G>A (p.Leu1557=)

Gene: LOXHD1 (lipoxygenase homology PLAT domains 1; minus strand). Cytogenetic location: 18q21.1.
Variant type: single nucleotide variant.
Coding change: c.4671G>A on transcript NM_001384474.1 (MANE Select); coding-DNA position 4671, G replaced by A.
Protein change: p.Leu1557=; no amino-acid change (leucine 1557 retained).
Molecular consequence: synonymous variant.
Genome position (GRCh38, 1-based): chr18:46,524,777, C>T on the plus strand (G>A on the coding strand, the complement: LOXHD1 is on the minus strand). VCF-style: chr18-46524777-C-T. GRCh37 (hg19) VCF-style: chr18-44104740-C-T.
Other names: c.1338G>A, p.Leu446= (NM_001145472.3); c.1050G>A, p.Leu350= (NM_001308013.2); c.4671G>A, p.Leu1557= (NM_144612.7).
Identifiers: ClinVar variation 504967 (VCV000504967.16), dbSNP rs763078543, ClinGen allele CA8952314.
Genomic context (GRCh38, chr18:46,524,777, plus strand): 5'-AAAGAGCCTCTCGAGTCGCCCATCCTCCTTCTTCAGGGAGAGCCAGCGCCCGCATAGGAA[C>T]AGGAACTCGTCCTCGTTGGTGTCATTCCAGATCTCCACCTTCTCCACGTACCAGTCTGCG-3'
Protein context (NP_001371403.1, residues 1547-1567): IWNDTNEDEF[Leu1557=]FLCGRWLSLK

ClinVar aggregate classification (germline): Likely benign. Review status: criteria provided, multiple submitters, no conflicts (2 of 4 stars). 4 submissions from 4 submitters: Likely benign (4). Last evaluated 2025-12-26.

Allele frequency attached by ClinVar (database versions not stated): gnomAD 0.00003; ExAC 0.00005; TOPMed 0.00010; gnomAD exomes 0.00012.
gnomAD v4.1: 164 of 1,551,676 alleles (0.011%); highest among the groups gnomAD compares: Middle Eastern, 0.3%; no homozygotes.

Submissions (4):

Labcorp Genetics (formerly Invitae), Labcorp
Classification: Likely benign. Last evaluated: 2025-12-26. Review status: criteria provided, single submitter. Criteria: Invitae Variant Classification Sherloc (09022015). Collection method: clinical testing. Allele origin: germline.

Blueprint Genetics
Classification: Likely benign. Last evaluated: 2024-05-02. Review status: criteria provided, single submitter. Criteria: ACMG Guidelines, 2015. Collection method: clinical testing. Allele origin: germline.

Laboratory for Molecular Medicine, Mass General Brigham Personalized Medicine
Classification: Likely benign. Last evaluated: 2016-04-18. Review status: criteria provided, single submitter. Criteria: LMM Criteria. Collection method: clinical testing. Allele origin: germline. Observed: 1 variant allele.
Comment: p.Leu1557Leu in exon 30 of LOXHD1: This variant is not expected to have clinical significance because it does not alter an amino acid residue, and it is not loc ated within the splice consensus sequence. It has been identified in 1/7914 Sou th Asian chromosomes by the Exome Aggregation Consortium (ExAC; dbSNP rs763078543).

Breakthrough Genomics
Classification: Likely benign. Review status: criteria provided, single submitter. Criteria: ACMG Guidelines, 2015. Collection method: not provided. Allele origin: germline. Inheritance: Autosomal recessive inheritance. Affected: yes.